The following is an entry in ClinVar:

ClinVar aggregate classification (germline): Uncertain significance. Review status: criteria provided, multiple submitters, no conflicts (2 of 4 stars). 4 submissions from 3 submitters: Uncertain significance (4). Last evaluated 2022-07-06.

Conditions:
Cardiovascular phenotype. Identifiers: MedGen CN230736.
Hereditary cancer-predisposing syndrome. Also called: Hereditary Cancer Syndrome; Neoplastic Syndromes, Hereditary; Tumor predisposition; Hereditary neoplastic syndrome. Identifiers: Orphanet 140162, MedGen C0027672, MeSH D009386, MONDO:0015356.
Neurofibromatosis, type 1 (NF1). Also called: Neurofibromatosis, type I; VON RECKLINGHAUSEN DISEASE; NEUROFIBROMATOSIS, TYPE I, SOMATIC; Peripheral type neurofibromatosis. Identifiers: Orphanet 636, MedGen C0027831, MONDO:0018975, OMIM 162200. Disease mechanism: loss of function.

gnomAD v4.1: 1 of 1,610,662 alleles (0.000062%); highest among the groups gnomAD compares: Non-Finnish European, 0.000085%; no homozygotes.

Submissions (4):

Labcorp Genetics (formerly Invitae), Labcorp
Classification: Uncertain significance for Neurofibromatosis, type 1. Last evaluated: 2022-07-06. Review status: criteria provided, single submitter. Criteria: Invitae Variant Classification Sherloc (09022015). Collection method: clinical testing. Allele origin: germline.
Comment: This sequence change replaces threonine, which is neutral and polar, with serine, which is neutral and polar, at codon 232 of the NF1 protein (p.Thr232Ser). This variant is not present in population databases (gnomAD no frequency). This variant has not been reported in the literature in individuals affected with NF1-related conditions. ClinVar contains an entry for this variant (Variation ID: 232852). Advanced modeling of protein sequence and biophysical properties (such as structural, functional, and spatial information, amino acid conservation, physicochemical variation, residue mobility, and thermodynamic stability) performed at Invitae indicates that this missense variant is not expected to disrupt NF1 protein function. In summary, the available evidence is currently insufficient to determine the role of this variant in disease. Therefore, it has been classified as a Variant of Uncertain Significance.

Genome-Nilou Lab
Classification: Uncertain significance for Neurofibromatosis, type 1. Last evaluated: 2022-03-15. Review status: criteria provided, single submitter. Criteria: ACMG Guidelines, 2015. Collection method: clinical testing. Allele origin: germline. Affected: no.

Ambry Genetics
Classification: Uncertain significance for Cardiovascular phenotype; Hereditary cancer-predisposing syndrome. Last evaluated: 2021-02-04. Review status: criteria provided, single submitter. Criteria: Ambry Variant Classification Scheme 2023. Collection method: clinical testing. Allele origin: germline.

Ambry Genetics
Classification: Uncertain significance for Hereditary cancer-predisposing syndrome. Last evaluated: 2015-07-06. Review status: criteria provided, single submitter. Criteria: Ambry Autosomal Dominant and X-Linked criteria (10/2015). Collection method: clinical testing. Allele origin: germline. Observed: 1 variant allele.
Comment: The p.T232S variant (also known as c.694A>T), located in coding exon 7 of the NF1 gene, results from an A to T substitution at nucleotide position 694. The threonine at codon 232 is replaced by serine, an amino acid with similar properties. This variant was not reported in population based cohorts in the following databases: Database of Single Nucleotide Polymorphisms (dbSNP), NHLBI Exome Sequencing Project (ESP), and 1000 Genomes Project. In the ESP, this variant was not observed in 6498 samples (12996 alleles) with coverage at this position. To date, this alteration has been detected with an allele frequency of approximately 0.002% (greater than 55000alleles tested) in our clinical cohort.This amino acid position is highly conserved in available vertebrate species. In addition, the in silico prediction for this alteration is inconclusive.Since supporting evidence is limited at this time, the clinical significance of p.T232S remains unclear.

NM_001042492.3(NF1):c.694A>T (p.Thr232Ser)

Gene: NF1 (neurofibromin 1; plus strand). Cytogenetic location: 17q11.2.
Variant type: single nucleotide variant.
Coding change: c.694A>T on transcript NM_001042492.3 (MANE Select); coding-DNA position 694, A replaced by T.
Protein change: p.Thr232Ser; replaces threonine 232 with serine.
Molecular consequence: missense variant.
Genome position (GRCh38, 1-based): chr17:31,181,749, A>T. VCF-style: chr17-31181749-A-T. GRCh37 (hg19) VCF-style: chr17-29508767-A-T.
Other names: c.694A>T, p.Thr232Ser (NM_000267.4, NM_001128147.3); short protein forms T232S.
Identifiers: ClinVar variation 232852 (VCV000232852.11), dbSNP rs876660027, ClinGen allele CA10580199.